The following is an entry in ClinVar:

ClinVar aggregate classification (germline): Uncertain significance. Review status: criteria provided, multiple submitters, no conflicts (2 of 4 stars). 4 submissions from 4 submitters: Uncertain significance (4). Last evaluated 2026-07-02.

Conditions:
Neurofibromatosis, familial spinal (FSNF). Identifiers: Orphanet 636, MedGen C1834235, MONDO:0008078, OMIM 162210. Disease mechanism: loss of function.
Neurofibromatosis, type 1 (NF1). Also called: VON RECKLINGHAUSEN DISEASE; Neurofibromatosis, type I; Peripheral type neurofibromatosis; NEUROFIBROMATOSIS, TYPE I, SOMATIC. Identifiers: Orphanet 636, MedGen C0027831, MONDO:0018975, OMIM 162200. Disease mechanism: loss of function.
Neurofibromatosis-Noonan syndrome (NFNS). Also called: NEUROFIBROMATOSIS WITH NOONAN PHENOTYPE. Identifiers: Orphanet 638, MedGen C2931482, MONDO:0011035, OMIM 601321. Disease mechanism: loss of function.
Juvenile myelomonocytic leukemia (JMML). Also called: LEUKEMIA, JUVENILE MYELOMONOCYTIC, SOMATIC. Identifiers: Orphanet 86834, MedGen C0349639, MONDO:0011908, OMIM 607785, HP:0012209.
Café-au-lait macules with pulmonary stenosis (WTSN). Also called: PULMONIC STENOSIS WITH CAFE-AU-LAIT SPOTS. Identifiers: MedGen C0553586, MONDO:0008672, OMIM 193520.
Hereditary cancer-predisposing syndrome. Also called: Neoplastic Syndromes, Hereditary; Hereditary neoplastic syndrome; Hereditary Cancer Syndrome; Tumor predisposition. Identifiers: Orphanet 140162, MedGen C0027672, MeSH D009386, MONDO:0015356.
Cardiovascular phenotype. Identifiers: MedGen CN230736.

Submissions (4):

Ambry Genetics
Classification: Uncertain significance for Cardiovascular phenotype; Hereditary cancer-predisposing syndrome. Last evaluated: 2026-07-02. Review status: criteria provided, single submitter. Criteria: Ambry Variant Classification Scheme 2023. Collection method: clinical testing. Allele origin: germline.
Comment: The p.T956S variant (also known as c.2867C>G), located in coding exon 22 of the NF1 gene, results from a C to G substitution at nucleotide position 2867. The threonine at codon 956 is replaced by serine, an amino acid with similar properties. This amino acid position is well conserved in available vertebrate species. In addition, this alteration is predicted to be tolerated by in silico analysis. Based on the available evidence, the clinical significance of this variant remains unclear.

Labcorp Genetics (formerly Invitae), Labcorp
Classification: Uncertain significance for Neurofibromatosis, type 1. Last evaluated: 2025-01-11. Review status: criteria provided, single submitter. Criteria: Invitae Variant Classification Sherloc (09022015). Collection method: clinical testing. Allele origin: germline.
Comment: This sequence change replaces threonine, which is neutral and polar, with serine, which is neutral and polar, at codon 956 of the NF1 protein (p.Thr956Ser). This variant is not present in population databases (gnomAD no frequency). This variant has not been reported in the literature in individuals affected with NF1-related conditions. ClinVar contains an entry for this variant (Variation ID: 480124). Invitae Evidence Modeling of protein sequence and biophysical properties (such as structural, functional, and spatial information, amino acid conservation, physicochemical variation, residue mobility, and thermodynamic stability) indicates that this missense variant is not expected to disrupt NF1 protein function with a negative predictive value of 95%. In summary, the available evidence is currently insufficient to determine the role of this variant in disease. Therefore, it has been classified as a Variant of Uncertain Significance.

Fulgent Genetics
Classification: Uncertain significance for Neurofibromatosis, type 1; Neurofibromatosis, familial spinal; Café-au-lait macules with pulmonary stenosis; Neurofibromatosis-Noonan syndrome; Juvenile myelomonocytic leukemia. Last evaluated: 2024-01-30. Review status: criteria provided, single submitter. Criteria: ACMG Guidelines, 2015. Collection method: clinical testing. Allele origin: germline.

Baylor Genetics
Classification: Uncertain significance for Juvenile myelomonocytic leukemia. Last evaluated: 2023-09-27. Review status: criteria provided, single submitter. Criteria: ACMG Guidelines, 2015. Collection method: clinical testing. Allele origin: unknown.

NM_001042492.3(NF1):c.2867C>G (p.Thr956Ser)

Gene: NF1 (neurofibromin 1; plus strand). Cytogenetic location: 17q11.2.
Variant type: single nucleotide variant.
Coding change: c.2867C>G on transcript NM_001042492.3 (MANE Select); coding-DNA position 2867, C replaced by G.
Protein change: p.Thr956Ser; replaces threonine 956 with serine.
Molecular consequence: missense variant.
Genome position (GRCh38, 1-based): chr17:31,229,851, C>G. VCF-style: chr17-31229851-C-G. GRCh37 (hg19) VCF-style: chr17-29556869-C-G.
Other names: c.2867C>G, p.Thr956Ser (NM_000267.4); short protein forms T956S.
Identifiers: ClinVar variation 480124 (VCV000480124.14), dbSNP rs1323973848, ClinGen allele CA398986010.